The following is an entry in ClinVar:

NM_000255.4(MMUT):c.292A>C (p.Thr98Pro)

Gene: MMUT (methylmalonyl-CoA mutase; minus strand). Cytogenetic location: 6p12.3.
Variant type: single nucleotide variant.
Coding change: c.292A>C on transcript NM_000255.4 (MANE Select); coding-DNA position 292, A replaced by C.
Protein change: p.Thr98Pro; replaces threonine 98 with proline.
Molecular consequence: missense variant.
Genome position (GRCh38, 1-based): chr6:49,459,175, T>G on the plus strand (A>C on the coding strand, the complement: MMUT is on the minus strand). VCF-style: chr6-49459175-T-G. GRCh37 (hg19) VCF-style: chr6-49426888-T-G.
Other names: short protein forms T98P.
Identifiers: ClinVar variation 660243 (VCV000660243.10), dbSNP rs754740382, ClinGen allele CA3847140.
Genomic context (GRCh38, chr6:49,459,175, plus strand): 5'-CTTCCACAGTACTAAAACCAGCATACTGGCGGATGGTCCAGGGCCTAAAGGTATACATGG[T>G]AGGATATGGTCCACGTGTGAATGGCTTCACTCCTGGAAGTTCTTCAGGTAAGTCCATAGT-3'
Protein context (NP_000246.2, residues 88-108): VKPFTRGPYP[Thr98Pro]MYTFRPWTIR

ClinVar aggregate classification (germline): Pathogenic (1 of 4 stars; one submission).

Allele frequency attached by ClinVar (database versions not stated): TOPMed below 0.00001.
gnomAD v4.1: 7 of 1,614,146 alleles (0.00043%); highest among the groups gnomAD compares: African/African-American, 0.0013%; no homozygotes.

Submission:

Labcorp Genetics (formerly Invitae), Labcorp
Classification: Pathogenic. Last evaluated: 2025-07-28. Review status: criteria provided, single submitter. Criteria: Invitae Variant Classification Sherloc (09022015). Collection method: clinical testing. Allele origin: germline.
Comment: This sequence change replaces threonine, which is neutral and polar, with proline, which is neutral and non-polar, at codon 98 of the MUT protein (p.Thr98Pro). This variant is present in population databases (rs754740382, gnomAD 0.007%). This missense change has been observed in individual(s) with clinical features of methylmalonic aciduria (internal data). In at least one individual the data is consistent with being in trans (on the opposite chromosome) from a pathogenic variant. ClinVar contains an entry for this variant (Variation ID: 660243). Invitae Evidence Modeling of protein sequence and biophysical properties (such as structural, functional, and spatial information, amino acid conservation, physicochemical variation, residue mobility, and thermodynamic stability) indicates that this missense variant is expected to disrupt MUT protein function with a positive predictive value of 95%. For these reasons, this variant has been classified as Pathogenic.